The following is an entry in ClinVar:

ClinVar aggregate classification (germline): Uncertain significance. Review status: criteria provided, multiple submitters, no conflicts (2 of 4 stars). 2 submissions from 2 submitters: Uncertain significance (2). Last evaluated 2024-09-12.

Conditions:
Autosomal recessive nonsyndromic hearing loss 77. Identifiers: Orphanet 90636, MedGen C2746083, MONDO:0013119, OMIM 613079.

Allele frequency attached by ClinVar (database versions not stated): gnomAD exomes 0.00001.
gnomAD v4.1: 3 of 1,551,498 alleles (0.00019%); highest among the groups gnomAD compares: South Asian, 0.0036%; no homozygotes.

Submissions (2):

Labcorp Genetics (formerly Invitae), Labcorp
Classification: Uncertain significance. Last evaluated: 2024-09-12. Review status: criteria provided, single submitter. Criteria: Invitae Variant Classification Sherloc (09022015). Collection method: clinical testing. Allele origin: germline.
Comment: This sequence change replaces valine, which is neutral and non-polar, with alanine, which is neutral and non-polar, at codon 183 of the LOXHD1 protein (p.Val183Ala). This variant is not present in population databases (gnomAD no frequency). This variant has not been reported in the literature in individuals affected with LOXHD1-related conditions. ClinVar contains an entry for this variant (Variation ID: 889474). An algorithm developed to predict the effect of missense changes on protein structure and function (PolyPhen-2) suggests that this variant is likely to be tolerated. In summary, the available evidence is currently insufficient to determine the role of this variant in disease. Therefore, it has been classified as a Variant of Uncertain Significance.

Illumina Laboratory Services, Illumina
Classification: Uncertain significance for Autosomal recessive nonsyndromic hearing loss 77. Last evaluated: 2018-01-13. Review status: criteria provided, single submitter. Criteria: ICSL Variant Classification Criteria 13 December 2019. Collection method: clinical testing. Allele origin: germline.

NM_001384474.1(LOXHD1):c.548T>C (p.Val183Ala)

Gene: LOXHD1 (lipoxygenase homology PLAT domains 1; minus strand). Cytogenetic location: 18q21.1.
Variant type: single nucleotide variant.
Coding change: c.548T>C on transcript NM_001384474.1 (MANE Select); coding-DNA position 548, T replaced by C.
Protein change: p.Val183Ala; replaces valine 183 with alanine.
Molecular consequence: missense variant.
Genome position (GRCh38, 1-based): chr18:46,618,254, A>G on the plus strand (T>C on the coding strand, the complement: LOXHD1 is on the minus strand). VCF-style: chr18-46618254-A-G. GRCh37 (hg19) VCF-style: chr18-44198217-A-G.
Other names: c.548T>C, p.Val183Ala (NM_144612.7); short protein forms V183A.
Identifiers: ClinVar variation 889474 (VCV000889474.6), dbSNP rs2038617630, ClinGen allele CA402367439.